The following is an entry in ClinVar:

NM_014956.5(CEP164):c.2493+1G>A

Gene: CEP164 (centrosomal protein 164; plus strand). Cytogenetic location: 11q23.3.
Variant type: single nucleotide variant.
Coding change: c.2493+1G>A on transcript NM_014956.5 (MANE Select); the canonical splice donor site of the intron after coding-DNA position 2493, G replaced by A.
Molecular consequence: splice donor variant.
Genome position (GRCh38, 1-based): chr11:117,392,628, G>A. VCF-style: chr11-117392628-G-A. GRCh37 (hg19) VCF-style: chr11-117263344-G-A.
Other names: c.2502+1G>A (NM_001271933.2).
Identifiers: ClinVar variation 578474 (VCV000578474.8), dbSNP rs778819060, ClinGen allele CA6295077.

ClinVar aggregate classification (germline): Likely pathogenic. Review status: criteria provided, multiple submitters, no conflicts (2 of 4 stars). 2 submissions from 2 submitters: Likely pathogenic (2). Last evaluated 2024-07-13.

Conditions:
Nephronophthisis 15 (NPHP15). Identifiers: Orphanet 3156, MedGen C3541853, MONDO:0013917, OMIM 614845.

Allele frequency attached by ClinVar (database versions not stated): gnomAD exomes 0.00001; ExAC 0.00002.

Submissions (2):

Labcorp Genetics (formerly Invitae), Labcorp
Classification: Likely pathogenic for Nephronophthisis 15. Last evaluated: 2024-07-13. Review status: criteria provided, single submitter. Criteria: Invitae Variant Classification Sherloc (09022015). Collection method: clinical testing. Allele origin: germline.
Comment: This sequence change affects a donor splice site in intron 19 of the CEP164 gene. It is expected to disrupt RNA splicing. Variants that disrupt the donor or acceptor splice site typically lead to a loss of protein function (PMID: 16199547), and loss-of-function variants in CEP164 are known to be pathogenic (PMID: 22863007, 28125082, 32367404, 34132027, 34499853). This variant is present in population databases (rs778819060, gnomAD 0.002%). This variant has not been reported in the literature in individuals affected with CEP164-related conditions. ClinVar contains an entry for this variant (Variation ID: 578474). Algorithms developed to predict the effect of sequence changes on RNA splicing suggest that this variant may disrupt the consensus splice site. In summary, the currently available evidence indicates that the variant is pathogenic, but additional data are needed to prove that conclusively. Therefore, this variant has been classified as Likely Pathogenic.

Fulgent Genetics
Classification: Likely pathogenic for Nephronophthisis 15. Last evaluated: 2022-04-26. Review status: criteria provided, single submitter. Criteria: ACMG Guidelines, 2015. Collection method: clinical testing. Allele origin: unknown.

Literature cited by the submitters: PubMed 16199547 (cited by Labcorp Genetics (formerly Invitae), Labcorp); PubMed 22863007 (cited by Labcorp Genetics (formerly Invitae), Labcorp); PubMed 28125082 (cited by Labcorp Genetics (formerly Invitae), Labcorp); PubMed 32367404 (cited by Labcorp Genetics (formerly Invitae), Labcorp); PubMed 34132027 (cited by Labcorp Genetics (formerly Invitae), Labcorp); PubMed 34499853 (cited by Labcorp Genetics (formerly Invitae), Labcorp).